The following is an entry in ClinVar:

ClinVar aggregate classification (germline): Uncertain significance (1 of 4 stars; one submission).

Conditions:
Hereditary cancer-predisposing syndrome. Also called: Neoplastic Syndromes, Hereditary; Tumor predisposition; Hereditary neoplastic syndrome; Hereditary Cancer Syndrome. Identifiers: Orphanet 140162, MedGen C0027672, MeSH D009386, MONDO:0015356.

Submission:

Ambry Genetics
Classification: Uncertain significance for Hereditary cancer-predisposing syndrome. Last evaluated: 2026-07-06. Review status: criteria provided, single submitter. Criteria: Ambry Variant Classification Scheme 2023. Collection method: clinical testing. Allele origin: germline.
Comment: The p.R574I variant (also known as c.1721G>T), located in coding exon 6 of the AXIN2 gene, results from a G to T substitution at nucleotide position 1721. The arginine at codon 574 is replaced by isoleucine, an amino acid with similar properties. This amino acid position is conserved. In addition, this alteration is predicted to be tolerated by in silico analysis. Based on the available evidence, the clinical significance of this variant remains unclear.

NM_004655.4(AXIN2):c.1721G>T (p.Arg574Ile)

Gene: AXIN2 (axin 2; minus strand). Cytogenetic location: 17q24.1.
Variant type: single nucleotide variant.
Coding change: c.1721G>T on transcript NM_004655.4 (MANE Select); coding-DNA position 1721, G replaced by T.
Protein change: p.Arg574Ile; replaces arginine 574 with isoleucine.
Molecular consequence: missense variant. On other transcripts: intron variant (1).
Genome position (GRCh38, 1-based): chr17:65,537,055, C>A on the plus strand (G>T on the coding strand, the complement: AXIN2 is on the minus strand). VCF-style: chr17-65537055-C-A. GRCh37 (hg19) VCF-style: chr17-63533173-C-A.
Other names: c.1712+269G>T (NM_001363813.1); short protein forms R574I.
Identifiers: ClinVar variation 5032567 (VCV005032567.1).
Genomic context (GRCh38, chr17:65,537,055, plus strand): 5'-GCGGGCAGGGCCAGGCCCGGCTCCGTGCCTTTCCCATTGCGTTTGGGCAAGGTACTGCCT[C>A]TGCTGCCGCTGTGGGGAACCAAGAACCACACCCAACCCAGAGACCCGGTTAAATCTCCGG-3'
Protein context (NP_004646.3, residues 564-584): TMPSEQFGGS[Arg574Ile]GSTLPKRNGK